The following is an entry in ClinVar:

NM_020822.3(KCNT1):c.3352C>T (p.Arg1118Cys)

Gene: KCNT1 (potassium sodium-activated channel subfamily T member 1; plus strand). Cytogenetic location: 9q34.3.
Variant type: single nucleotide variant.
Coding change: c.3352C>T on transcript NM_020822.3 (MANE Select); coding-DNA position 3352, C replaced by T.
Protein change: p.Arg1118Cys; replaces arginine 1118 with cysteine.
Molecular consequence: missense variant.
Genome position (GRCh38, 1-based): chr9:135,786,371, C>T. VCF-style: chr9-135786371-C-T. GRCh37 (hg19) VCF-style: chr9-138678217-C-T.
Other names: c.3217C>T, p.Arg1073Cys (NM_001272003.2); short protein forms R1118C, R1073C.
Identifiers: ClinVar variation 2026670 (VCV002026670.4), dbSNP rs777460659, ClinGen allele CA5327786.
Genomic context (GRCh38, chr9:135,786,371, plus strand): 5'-GACCCCGCAGAGCACCCACTGCTACGGCGCAAGAGCCTGCAGTGGGCCCGGAGGCTGAGC[C>T]GCAAGGCGCCCAAGCAGGCAGGCCGGGCGGCGGCCGCGGAGTGGATCAGCCAGCAGCGCC-3'
Protein context (NP_065873.2, residues 1108-1128): KSLQWARRLS[Arg1118Cys]KAPKQAGRAA

ClinVar aggregate classification (germline): Uncertain significance (1 of 4 stars; one submission).

Conditions:
Autosomal dominant nocturnal frontal lobe epilepsy 5. Also called: CILIARY DYSKINESIA, PRIMARY, 28, WITH SITUS INVERSUS; CILIARY DYSKINESIA, PRIMARY, 28, WITHOUT SITUS INVERSUS; KCNT1-Related Epilepsy; Epilepsy, nocturnal frontal lobe, 5. Identifiers: Orphanet 98784, MedGen C3554306, MONDO:0014002, OMIM 615005.
Developmental and epileptic encephalopathy, 14 (DEE14). Also called: Early infantile epileptic encephalopathy 14. Identifiers: Orphanet 293181, MedGen C3554195, MONDO:0013989, OMIM 614959.

Allele frequency attached by ClinVar (database versions not stated): gnomAD 0.00001; gnomAD exomes 0.00001; TOPMed 0.00002.
gnomAD v4.1: 13 of 1,578,242 alleles (0.00082%); highest among the groups gnomAD compares: South Asian, 0.0046%; no homozygotes.

Submission:

Labcorp Genetics (formerly Invitae), Labcorp
Classification: Uncertain significance for Autosomal dominant nocturnal frontal lobe epilepsy 5; Developmental and epileptic encephalopathy, 14. Last evaluated: 2025-05-23. Review status: criteria provided, single submitter. Criteria: Invitae Variant Classification Sherloc (09022015). Collection method: clinical testing. Allele origin: germline.
Comment: This sequence change replaces arginine, which is basic and polar, with cysteine, which is neutral and slightly polar, at codon 1118 of the KCNT1 protein (p.Arg1118Cys). This variant is not present in population databases (gnomAD no frequency). This variant has not been reported in the literature in individuals affected with KCNT1-related conditions. ClinVar contains an entry for this variant (Variation ID: 2026670). Invitae Evidence Modeling of protein sequence and biophysical properties (such as structural, functional, and spatial information, amino acid conservation, physicochemical variation, residue mobility, and thermodynamic stability) indicates that this missense variant is not expected to disrupt KCNT1 protein function with a negative predictive value of 80%. In summary, the available evidence is currently insufficient to determine the role of this variant in disease. Therefore, it has been classified as a Variant of Uncertain Significance.